The following is an entry in ClinVar:

ClinVar aggregate classification (germline): Uncertain significance. Review status: criteria provided, multiple submitters, no conflicts (2 of 4 stars). 2 submissions from 2 submitters: Uncertain significance (2). Last evaluated 2023-06-14.

Conditions:
Tumor predisposition syndrome 3 (TPDS3). Also called: Melanoma, cutaneous malignant, susceptibility to, 10; Glioma susceptibility 9; LONG TELOMERE SYNDROME, POT1-RELATED; POT1 Tumor Predisposition. Identifiers: Orphanet 618, MedGen C4014476, MONDO:0014368, OMIM 615848.
Hereditary cancer-predisposing syndrome. Also called: Tumor predisposition; Neoplastic Syndromes, Hereditary; Hereditary Cancer Syndrome; Hereditary neoplastic syndrome. Identifiers: Orphanet 140162, MedGen C0027672, MeSH D009386, MONDO:0015356.

Submissions (2):

Labcorp Genetics (formerly Invitae), Labcorp
Classification: Uncertain significance for Tumor predisposition syndrome 3. Last evaluated: 2023-06-14. Review status: criteria provided, single submitter. Criteria: Invitae Variant Classification Sherloc (09022015). Collection method: clinical testing. Allele origin: germline.
Comment: In summary, the available evidence is currently insufficient to determine the role of this variant in disease. Therefore, it has been classified as a Variant of Uncertain Significance. This sequence change replaces asparagine, which is neutral and polar, with tyrosine, which is neutral and polar, at codon 442 of the POT1 protein (p.Asn442Tyr). This variant is not present in population databases (gnomAD no frequency). This variant has not been reported in the literature in individuals affected with POT1-related conditions. ClinVar contains an entry for this variant (Variation ID: 1372439). Advanced modeling of protein sequence and biophysical properties (such as structural, functional, and spatial information, amino acid conservation, physicochemical variation, residue mobility, and thermodynamic stability) performed at Invitae indicates that this missense variant is not expected to disrupt POT1 protein function.

Ambry Genetics
Classification: Uncertain significance for Hereditary cancer-predisposing syndrome. Last evaluated: 2022-06-09. Review status: criteria provided, single submitter. Criteria: Ambry Variant Classification Scheme 2023. Collection method: clinical testing. Allele origin: germline.
Comment: The p.N442Y variant (also known as c.1324A>T), located in coding exon 10 of the POT1 gene, results from an A to T substitution at nucleotide position 1324. The asparagine at codon 442 is replaced by tyrosine, an amino acid with dissimilar properties. This amino acid position is conserved. In addition, this alteration is predicted to be tolerated by in silico analysis. Since supporting evidence is limited at this time, the clinical significance of this alteration remains unclear.

NM_015450.3(POT1):c.1324A>T (p.Asn442Tyr)

Gene: POT1 (protection of telomeres 1; minus strand). Cytogenetic location: 7q31.33.
Variant type: single nucleotide variant.
Coding change: c.1324A>T on transcript NM_015450.3 (MANE Select); coding-DNA position 1324, A replaced by T.
Protein change: p.Asn442Tyr; replaces asparagine 442 with tyrosine.
Molecular consequence: missense variant. On other transcripts: non-coding transcript variant (3).
Genome position (GRCh38, 1-based): chr7:124,841,018, T>A on the plus strand (A>T on the coding strand, the complement: POT1 is on the minus strand). VCF-style: chr7-124841018-T-A. GRCh37 (hg19) VCF-style: chr7-124481072-T-A.
Other names: c.931A>T, p.Asn311Tyr (NM_001042594.2); short protein forms N442Y, N311Y.
Identifiers: ClinVar variation 1372439 (VCV001372439.8), dbSNP rs2116461234, ClinGen allele CA369066842.
Genomic context (GRCh38, chr7:124,841,018, plus strand): 5'-ACTTAAATATCTTACCTTCTATCAAAAGTAGACATTCATTTGAAAGCGGGAGAATACCAT[T>A]ATTTTTCACAAAATGAACTGCTACTTTTCGTCCTTTTTGATTTTTAGTGGTCCAGATTTT-3'
Protein context (NP_056265.2, residues 432-452): RKVAVHFVKN[Asn442Tyr]GILPLSNECL